The following is an entry in ClinVar:

NM_000551.4(VHL):c.4C>T (p.Pro2Ser)

Gene: VHL (von Hippel-Lindau tumor suppressor; plus strand). Cytogenetic location: 3p25.3.
Variant type: single nucleotide variant.
Coding change: c.4C>T on transcript NM_000551.4 (MANE Select); coding-DNA position 4, C replaced by T.
Protein change: p.Pro2Ser; replaces proline 2 with serine.
Molecular consequence: missense variant.
Genome position (GRCh38, 1-based): chr3:10,141,851, C>T. VCF-style: chr3-10141851-C-T. GRCh37 (hg19) VCF-style: chr3-10183535-C-T.
Other names: c.4C>T, p.Pro2Ser (NM_001354723.2, NM_198156.3); short protein forms P2S.
Identifiers: ClinVar variation 574321 (VCV000574321.28), dbSNP rs1034974221, ClinGen allele CA70042126.

ClinVar aggregate classification (germline): Uncertain significance. Review status: criteria provided, multiple submitters, no conflicts (2 of 4 stars). 5 submissions from 5 submitters: Uncertain significance (5). Last evaluated 2025-12-13.

Conditions:
Chuvash polycythemia. Also called: POLYCYTHEMIA, VHL-DEPENDENT. Identifiers: Orphanet 238557, MedGen C1837915, MONDO:0009892, OMIM 263400.
Von Hippel-Lindau syndrome (VHLS). Also called: VHL syndrome; Von Hippel-Lindau; von Hippel–Lindau syndrome. Identifiers: Orphanet 892, MedGen C0019562, MONDO:0008667, OMIM 193300. Disease mechanism: loss of function.
Hereditary cancer-predisposing syndrome. Also called: Hereditary neoplastic syndrome; Neoplastic Syndromes, Hereditary; Hereditary Cancer Syndrome; Tumor predisposition. Identifiers: Orphanet 140162, MedGen C0027672, MeSH D009386, MONDO:0015356.

Allele frequency attached by ClinVar (database versions not stated): gnomAD exomes 0.00001; TOPMed 0.00002.
gnomAD v4.1: 10 of 1,535,440 alleles (0.00065%); highest among the groups gnomAD compares: Admixed American, 0.002%; no homozygotes.

Submissions (5):

Labcorp Genetics (formerly Invitae), Labcorp
Classification: Uncertain significance for Von Hippel-Lindau syndrome; Chuvash polycythemia. Last evaluated: 2025-12-13. Review status: criteria provided, single submitter. Criteria: Invitae Variant Classification Sherloc (09022015). Collection method: clinical testing. Allele origin: germline.
Comment: This sequence change replaces proline, which is neutral and non-polar, with serine, which is neutral and polar, at codon 2 of the VHL protein (p.Pro2Ser). The frequency data for this variant in the population databases is considered unreliable, as metrics indicate poor data quality at this position in the gnomAD database. This variant has not been reported in the literature in individuals affected with VHL-related conditions. ClinVar contains an entry for this variant (Variation ID: 574321). Invitae Evidence Modeling of protein sequence and biophysical properties (such as structural, functional, and spatial information, amino acid conservation, physicochemical variation, residue mobility, and thermodynamic stability) indicates that this missense variant is not expected to disrupt VHL protein function with a negative predictive value of 95%. In summary, the available evidence is currently insufficient to determine the role of this variant in disease. Therefore, it has been classified as a Variant of Uncertain Significance.

All of Us Research Program, National Institutes of Health
Classification: Uncertain significance for Von Hippel-Lindau syndrome. Last evaluated: 2024-07-20. Review status: criteria provided, single submitter. Criteria: ACMG Guidelines, 2015. Collection method: clinical testing. Allele origin: germline. Inheritance: Autosomal dominant inheritance. Observed: 3 variant alleles, 3 heterozygotes.
Comment: This missense variant replaces proline with serine at codon 2 of the VHL protein. Computational prediction suggests that this variant may not impact protein structure and function (internally defined REVEL score threshold <= 0.5, PMID: 27666373). To our knowledge, functional studies have not been reported for this variant. This variant has not been reported in individuals affected with VHL-related disorders in the literature. This variant has been identified in 1/139326 chromosomes in the general population by the Genome Aggregation Database (gnomAD). The available evidence is insufficient to determine the role of this variant in disease conclusively. Therefore, this variant is classified as a Variant of Uncertain Significance.

This study involves interpretation of variants in research participants for the purpose of population health screening. Participant phenotype was not available at the time of variant classification. Additional details can be found in publication PMID: 35346344, PMCID: PMC8962531

Color Diagnostics, LLC DBA Color Health
Classification: Uncertain significance for Von Hippel-Lindau syndrome. Last evaluated: 2024-07-11. Review status: criteria provided, single submitter. Criteria: ACMG Guidelines, 2015. Collection method: clinical testing. Allele origin: germline.
Comment: This missense variant replaces proline with serine at codon 2 of the VHL protein. Computational prediction suggests that this variant may not impact protein structure and function. To our knowledge, functional studies have not been reported for this variant. This variant has not been reported in individuals affected with VHL-related disorders in the literature. This variant has been identified in 1/139326 chromosomes in the general population by the Genome Aggregation Database (gnomAD). The available evidence is insufficient to determine the role of this variant in disease conclusively. Therefore, this variant is classified as a Variant of Uncertain Significance.

GeneDx
Classification: Uncertain significance. Last evaluated: 2024-06-24. Review status: criteria provided, single submitter. Criteria: GeneDx Variant Classification Process June 2021. Collection method: clinical testing. Allele origin: germline. Affected: yes.
Comment: Not observed at significant frequency in large population cohorts (gnomAD); In silico analysis indicates that this missense variant does not alter protein structure/function; Has not been previously published as pathogenic or benign to our knowledge

Ambry Genetics
Classification: Uncertain significance for Hereditary cancer-predisposing syndrome. Last evaluated: 2024-04-29. Review status: criteria provided, single submitter. Criteria: Ambry Variant Classification Scheme 2023. Collection method: clinical testing. Allele origin: germline.
Comment: The p.P2S variant (also known as c.4C>T), located in coding exon 1 of the VHL gene, results from a C to T substitution at nucleotide position 4. The proline at codon 2 is replaced by serine, an amino acid with similar properties. This amino acid position is not well conserved in available vertebrate species. In addition, this alteration is predicted to be tolerated by in silico analysis. Based on the available evidence, the clinical significance of this variant remains unclear.